The following is an entry in ClinVar:

NM_001145860.2(POP1):c.897del (p.Lys299fs)

Gene: POP1 (POP1 ribonuclease P/MRP subunit; plus strand). Cytogenetic location: 8q22.2.
Variant type: Deletion.
Coding change: c.897del on transcript NM_001145860.2 (MANE Select); coding-DNA position 897, one base deleted (A; older notation c.897delA).
Protein change: p.Lys299fs; shifts the reading frame from lysine 299.
Molecular consequence: frameshift variant.
Genome position (GRCh38, 1-based): chr8:98,134,545, A deleted; the last of 3 consecutive A bases (chr8:98,134,543-98,134,545); deleting any one gives the same sequence. VCF-style (leftmost placement, unchanged base first): chr8-98134542-TA-T. GRCh37 (hg19) VCF-style: chr8-99146770-TA-T.
Other names: c.897del, p.Lys299fs (NM_001145861.2, NM_015029.3); short protein forms K299fs.
Identifiers: ClinVar variation 3645545 (VCV003645545.2).

ClinVar aggregate classification (germline): Pathogenic (1 of 4 stars; one submission).

Submission:

Labcorp Genetics (formerly Invitae), Labcorp
Classification: Pathogenic. Last evaluated: 2024-08-31. Review status: criteria provided, single submitter. Criteria: Invitae Variant Classification Sherloc (09022015). Collection method: clinical testing. Allele origin: germline.
Comment: This sequence change creates a premature translational stop signal (p.Lys299Asnfs*42) in the POP1 gene. It is expected to result in an absent or disrupted protein product. Loss-of-function variants in POP1 are known to be pathogenic (PMID: 21455487). This variant is not present in population databases (gnomAD no frequency). This variant has not been reported in the literature in individuals affected with POP1-related conditions. For these reasons, this variant has been classified as Pathogenic.

Literature cited by the submitters: PubMed 21455487.